The following is an entry in ClinVar:

ClinVar aggregate classification (germline): Likely pathogenic. Review status: reviewed by expert panel (3 of 4 stars). 10 submissions from 10 submitters: Likely pathogenic (1). 9 of the submissions do not count toward it. Last evaluated 2026-09-21.

Conditions:
BRCA2-related cancer predisposition. Identifiers: MedGen CN377758, MONDO:0700269.
Hereditary cancer-predisposing syndrome. Also called: Hereditary Cancer Syndrome; Neoplastic Syndromes, Hereditary; Hereditary neoplastic syndrome; Tumor predisposition. Identifiers: Orphanet 140162, MedGen C0027672, MeSH D009386, MONDO:0015356.
Hereditary breast ovarian cancer syndrome. Also called: Hereditary breast and ovarian cancer syndrome; Breast and ovarian cancer; BRCA1- and BRCA2-Associated Hereditary Breast and Ovarian Cancer; Hereditary breast and/or ovarian cancer syndrome; Hereditary breast and ovarian cancer; Hereditary breast and ovarian cancer syndrome (HBOC). Identifiers: Orphanet 145, MedGen C0677776, MeSH D061325, MONDO:0003582. Disease mechanism: loss of function.
Breast-ovarian cancer, familial, susceptibility to, 2 (BROVCA2). Also called: BRCA2 Hereditary Breast and Ovarian Cancer. Identifiers: Orphanet 145, MedGen C2675520, MONDO:0012933, OMIM 612555. Disease mechanism: loss of function.

Submissions 1 to 5 of 10:

ClinGen ENIGMA BRCA1 and BRCA2 Variant Curation Expert Panel, ClinGen
Classification: Likely pathogenic for BRCA2-related cancer predisposition. Last evaluated: 2026-09-21. Review status: reviewed by expert panel. Criteria: CSpec BRCA1/2ACMG Rules Specifications V1.2. Collection method: curation. Allele origin: germline. Inheritance: Autosomal dominant inheritance.
Comment: The c.7795_7797del variant in BRCA2 is predicted to cause a change in the length of the protein due to an in-frame deletion of 1 amino acid (p.(Glu2599del)). The Total GrpMax filtering allele frequency (the lower threshold of the 95% CI) in gnomAD v4.1 is 0.00000028 in the Non-Finnish European genetic ancestry group (based on 2/1179946 alleles) which is below the ENIGMA BRCA1/2 VCEP threshold (>0.00002) for BS1_Supporting and does not meet any population code (BA1, BS1, BS1_Supporting, PM2_Supporting are not met). This BRCA2 in-frame deletion variant is within a key functional domain and the computational predictor BayesDel (noAF) gives a score of 0.64, above the recommended threshold of 0.30 for prediction of impact on BRCA2 function via protein change. A SpliceAI score of 0.03 predicts no impact on splicing (score threshold ≤0.1) (PP3 met). Multifactorial likelihood ratio analysis using clinically calibrated data produced a combined LR for this variant of 2883172307.4 (based on Cosegregation LR=10545472; Pathology LR=0.93; Co-occurrence LR=1.03; Family History LR=285.42), above the thresholds for very strong evidence towards pathogenicity (LR >350) (PP4_Very strong met; PMID: 34597585, 31853058, 31131967). This is an in-frame variant inside a key functional domain. Impact via the protein change has not been assessed yet. mRNA experimental analysis indicates no impact on splicing (PMIDs: 22505045, 27886673) but is not applied as strong evidence against pathogenicity since missense impact has not been excluded (BP7_Strong (RNA) not met). In summary, this variant meets the criteria to be classified as a Likely pathogenic variant for BRCA2-related cancer predisposition based on the ACMG/AMP criteria applied as specified by the ENIGMA BRCA1/2 VCEP (PP3, PP4_Very strong).

Ambry Genetics
Classification: Likely pathogenic for Hereditary cancer-predisposing syndrome. Last evaluated: 2026-02-28. Review status: criteria provided, single submitter. Criteria: Ambry Variant Classification Scheme 2023. Collection method: clinical testing. Allele origin: germline. Not counted in ClinVar's aggregate classification.
Comment: The c.7795_7797delGAA variant (also known as p.E2599del) is located in coding exon 15 of the BRCA2 gene. This variant results from an in-frame GAA deletion at nucleotide positions 7795 to 7797. This results in the in-frame deletion of a glutamic acid at codon 2599. This amino acid position is highly conserved in available vertebrate species. This alteration has been detected in individuals from breast and/or ovarian cancer cohorts (Houdayer C et al. Hum. Mutat., 2012 Aug;33:1228-38; Rodr&iacute;guez-Balada M et al. Cancer Genet, 2016 Nov;209:487-492; Labidi-Galy SI et al. Clin. Cancer Res., 2018 Jan;24:326-333; Caux-Moncoutier V et al. Hum. Mutat., 2011 Mar;32:325-34). In a large, worldwide study of BRCA1/2 mutation positive families, this variant was identified in a total of 12 French families (Rebbeck TR et al. Hum Mutat. 2018 May;39(5):593-620). This alteration was also classified as pathogenic in a multifactorial model of variant interpretation that incorporates co-segregation, family history, and tumor pathology data, including strong co-segregation data from 14 families with this variant (Caputo SM et al. Am J Hum Genet. 2021 Oct;108(10):1907-1923). This variant is considered to be rare based on population cohorts in the Genome Aggregation Database (gnomAD). In addition, the in silico prediction for this alteration is inconclusive (Choi Y et al. PLoS ONE. 2012; 7(10):e46688). Based on the majority of available evidence to date, this variant is likely to be pathogenic.

Labcorp Genetics (formerly Invitae), Labcorp
Classification: Uncertain significance for Hereditary breast ovarian cancer syndrome. Last evaluated: 2026-01-31. Review status: criteria provided, single submitter. Criteria: Invitae Variant Classification Sherloc (09022015). Collection method: clinical testing. Allele origin: germline. Not counted in ClinVar's aggregate classification.
Comment: This variant, c.7795_7797del, results in the deletion of 1 amino acid(s) of the BRCA2 protein (p.Glu2599del), but otherwise preserves the integrity of the reading frame. This variant is not present in population databases (gnomAD no frequency). This variant has been observed in individual(s) with a personal and/or family history of breast and/or ovarian cancer (PMID: 20858050, 21120943, 24549055, 29240602). Experimental studies and prediction algorithms are not available or were not evaluated, and the functional significance of this variant is currently unknown. In summary, the available evidence is currently insufficient to determine the role of this variant in disease. Therefore, it has been classified as a Variant of Uncertain Significance.

KCCC/NGS Laboratory, Kuwait Cancer Control Center
Classification: Uncertain significance for Breast-ovarian cancer, familial, susceptibility to, 2. Last evaluated: 2023-06-06. Review status: criteria provided, single submitter. Criteria: ACMG Guidelines, 2015. Collection method: clinical testing. Allele origin: germline. Affected: yes. Not counted in ClinVar's aggregate classification.
Comment: a heterozygous in-frame deletion in the BRCA2 gene was detected. This in-frame deletion of three nucleotides in BRCA2 is denoted c.7795_7797delGAA at the cDNA level and p.Glu2598del (E2598del) at the protein level. The This deletion of a single Glutamic Acid residue occurs at a position that is conserved across species and is located in the DNA binding domain (Yang 2002). This variant has been reported in several individuals evaluated for Hereditary Breast and Ovarian Cancer (Coulet 2010, Caux-Moncoutier 2011, Lecarpentier 2012, Castera 2014, Radrigeuz-Balada 2016). Since in-frame deletions may or may not inhibit proper protein functioning, the clinical significance of this finding remains unclear at this time and we consider BRCA2 Glu2598del to be a Variant of Uncertain Significance. This mutation has 5 entries in ClinVar. One entry is listed as pathogenic, one entry is listed as likely pathogenic, 3 entries are listed as variant of unknown significance. This mutation is not listed in the ExAC database.

Color Diagnostics, LLC DBA Color Health
Classification: Likely pathogenic for Hereditary cancer-predisposing syndrome. Last evaluated: 2022-06-15. Review status: criteria provided, single submitter. Criteria: ACMG Guidelines, 2015. Collection method: clinical testing. Allele origin: germline. Not counted in ClinVar's aggregate classification.
Comment: This variant causes an in-frame deletion of a highly conserved glutamic acid at codon 2599 in the BRCA2 protein (PMID: 15060014). To our knowledge, functional assays have not been performed for this variant. This variant has been detected in two individuals affected with ovarian, fallopian tube or peritoneal cancer (PMID: 29084914, 29240602) and over 100 families suspected to be affected with hereditary breast and ovarian cancer (PMID: 21120943, 24549055, 27886673, 34597585) with a family history likelihood ratio for pathogenicity of 229.56 (PMID: 34597585). This variant is estimated to co-segregate with disease with likelihood ratios for causality of greater than 310,000 from 87 individual carriers analyzed (ClinVar variation ID 52409) and 10,545,472 from 14 families analyzed (PMID: 34597585), respectively. This variant has not been identified in the general population by the Genome Aggregation Database (gnomAD). Based on the available evidence, this variant is classified as Likely Pathogenic.

NM_000059.4(BRCA2):c.7792GAA[1] (p.Glu2599del)

Gene: BRCA2 (BRCA2 DNA repair associated; plus strand). Cytogenetic location: 13q13.1.
Variant type: Microsatellite.
Coding change: c.7792GAA[1] on transcript NM_000059.4 (MANE Select); one copy of the 3-base unit GAA starting at c.7792; the reference has two copies in a row; one copy, 3 bases deleted; also written c.7795_7797del.
Protein change: p.Glu2599del; deletes glutamic acid 2599.
Molecular consequence: inframe deletion.
Genome position (GRCh38, 1-based): chr13:32,357,919-32,357,921, GAA deleted; deleting any 3 consecutive bases within chr13:32,357,914-32,357,921 gives the same sequence; the position shown is the placement nearest the transcript's 3' end. VCF-style (leftmost placement, unchanged base first): chr13-32357913-AAAG-A. GRCh37 (hg19) VCF-style: chr13-32932050-AAAG-A.
Other names: NM_000059.4(BRCA2):c.7792GAA[1]; p.Glu2599del; c.7795_7797delGAA (NM_000059.3); c.7795_7797del (NM_000059.4); short protein forms E2599del.
Identifiers: ClinVar variation 52409 (VCV000052409.30), dbSNP rs80359682, ClinGen allele CA025277.